The following is an entry in ClinVar:

NM_001145809.2(MYH14):c.5041G>A (p.Glu1681Lys)

Gene: MYH14 (myosin heavy chain 14; plus strand). Cytogenetic location: 19q13.33.
Variant type: single nucleotide variant.
Coding change: c.5041G>A on transcript NM_001145809.2 (MANE Select); coding-DNA position 5041, G replaced by A.
Protein change: p.Glu1681Lys; replaces glutamic acid 1681 with lysine.
Molecular consequence: missense variant.
Genome position (GRCh38, 1-based): chr19:50,290,962, G>A. VCF-style: chr19-50290962-G-A. GRCh37 (hg19) VCF-style: chr19-50794219-G-A.
Other names: c.4942G>A, p.Glu1648Lys (NM_001077186.2); c.4918G>A, p.Glu1640Lys (NM_024729.4); short protein forms E1681K, E1640K, E1648K.
Identifiers: ClinVar variation 329946 (VCV000329946.12), dbSNP rs556548077, ClinGen allele CA9593673.

ClinVar aggregate classification (germline): Conflicting classifications of pathogenicity. Review status: criteria provided, conflicting classifications (1 of 4 stars). 3 submissions from 3 submitters: Uncertain significance (1); Likely benign (2). Last evaluated 2018-04-30.

Conditions:
Peripheral neuropathy-myopathy-hoarseness-hearing loss syndrome. Identifiers: Orphanet 397744, MedGen C3280556, MONDO:0013711, OMIM 614369.
Autosomal dominant nonsyndromic hearing loss 4A. Also called: Deafness, autosomal dominant 4A. Identifiers: Orphanet 90635, MedGen C1833503, MONDO:0010915, OMIM 600652.

Allele frequency attached by ClinVar (database versions not stated): gnomAD below 0.00001 and 0.00007; TOPMed 0.00001; gnomAD exomes 0.00007 and 0.00022; ExAC 0.00044; 1000 Genomes Project 30x 0.00094; 1000 Genomes Project 0.00120.
gnomAD v4.1: 110 of 1,605,590 alleles (0.0069%); highest among the groups gnomAD compares: South Asian, 0.12%; 1 homozygote.

Submissions (3):

Labcorp Genetics (formerly Invitae), Labcorp
Classification: Likely benign. Last evaluated: 2018-04-30. Review status: criteria provided, single submitter. Criteria: Invitae Variant Classification Sherloc (09022015). Collection method: clinical testing. Allele origin: germline.

Illumina Laboratory Services, Illumina
Classification: Likely benign for Autosomal dominant nonsyndromic hearing loss 4A. Last evaluated: 2018-01-12. Review status: criteria provided, single submitter. Criteria: ICSL Variant Classification Criteria 13 December 2019. Collection method: clinical testing. Allele origin: germline.
Comment: This variant was observed in the ICSL laboratory as part of a predisposition screen in an ostensibly healthy population. It had not been previously curated by ICSL or reported in the Human Gene Mutation Database (HGMD: prior to June 1st, 2018), and was therefore a candidate for classification through an automated scoring system. Utilizing variant allele frequency, disease prevalence and penetrance estimates, and inheritance mode, an automated score was calculated to assess if this variant is too frequent to cause the disease. Based on the score and internal cut-off values, a variant classified as likely benign is not then subjected to further curation. The score for this variant resulted in a classification of likely benign for this disease.

Genomic Research Center, Shahid Beheshti University of Medical Sciences
Classification: Uncertain significance for Peripheral neuropathy-myopathy-hoarseness-hearing loss syndrome. Last evaluated: 2017-12-18. Review status: criteria provided, single submitter. Criteria: ACMG Guidelines, 2015. Collection method: clinical testing. Allele origin: inherited. Affected: yes.